The following is an entry in ClinVar:

NC_012920.1(MT-CO1):m.6663A>G

Gene: MT-CO1 (mitochondrially encoded cytochrome c oxidase I; plus strand).
Variant type: single nucleotide variant.
Genome position: chrM-6663-A-G.
Identifiers: ClinVar variation 692663 (VCV000692663.1), dbSNP rs200784106, ClinGen allele CA337097468.

ClinVar aggregate classification (germline): Benign (1 of 4 stars; one submission).

Conditions:
Leigh syndrome (NULS). Also called: Leigh's necrotizing encephalopathy; Leigh's disease; Leigh Syndrome (mtDNA deletion); Leigh Disease; Subacute necrotizing encephalopathy; Necrotizing encephalopathy infantile subacute of Leigh. Identifiers: Orphanet 506, MedGen C2931891, MONDO:0009723, OMIM 256000.

Submission:

Wong Mito Lab, Molecular and Human Genetics, Baylor College of Medicine
Classification: Benign for Leigh syndrome. Last evaluated: 2019-10-17. Review status: criteria provided, single submitter. Criteria: Modified ACMG Guidelines (Unpublished). Collection method: clinical testing. Allele origin: germline.
Comment: The NC_012920.1:m.6663A>G (YP_003024028.1:p.Ile254Val) variant in MTCO1 gene is interpretated to be a Benign variant based on the modified ACMG guidelines (unpublished). This variant meets the following evidence codes: BS1, BS4, BP4